The following is an entry in ClinVar:

ClinVar aggregate classification (germline): Uncertain significance (1 of 4 stars; one submission).

Allele frequency attached by ClinVar (database versions not stated): TOPMed below 0.00001; gnomAD exomes below 0.00001.
gnomAD v4.1: 2 of 1,613,368 alleles (0.00012%); highest among the groups gnomAD compares: Admixed American, 0.0033%; no homozygotes.

Submission:

GeneDx
Classification: Uncertain significance. Last evaluated: 2025-09-23. Review status: criteria provided, single submitter. Criteria: GeneDx Variant Classification Process June 2021. Collection method: clinical testing. Allele origin: germline.
Comment: Not observed at significant frequency in large population cohorts (gnomAD); In silico analysis suggests that this missense variant does not alter protein structure/function; Has not been previously published as pathogenic or benign to our knowledge

NM_003672.4(CDC14A):c.913A>G (p.Ile305Val)

Gene: CDC14A (cell division cycle 14A; plus strand). Cytogenetic location: 1p21.2.
Variant type: single nucleotide variant.
Coding change: c.913A>G on transcript NM_003672.4 (MANE Select); coding-DNA position 913, A replaced by G.
Protein change: p.Ile305Val; replaces isoleucine 305 with valine.
Molecular consequence: missense variant.
Genome position (GRCh38, 1-based): chr1:100,468,030, A>G. VCF-style: chr1-100468030-A-G. GRCh37 (hg19) VCF-style: chr1-100933586-A-G.
Other names: c.913A>G, p.Ile305Val (NM_001319210.2, NM_033312.3, NM_033313.3); c.739A>G, p.Ile247Val (NM_001319211.2); c.34A>G, p.Ile12Val (NM_001319212.2); short protein forms I12V, I247V, I305V.
Identifiers: ClinVar variation 1712755 (VCV001712755.3), dbSNP rs1204243477, ClinGen allele CA341354166.